The following is an entry in ClinVar:

NM_173630.4(RTTN):c.6398del (p.Asn2133fs)

Gene: RTTN (rotatin; minus strand). Cytogenetic location: 18q22.2.
Variant type: Deletion.
Coding change: c.6398del on transcript NM_173630.4 (MANE Select); coding-DNA position 6398, one base deleted (A; older notation c.6398delA).
Protein change: p.Asn2133fs; shifts the reading frame from asparagine 2133.
Molecular consequence: frameshift variant.
Genome position (GRCh38, 1-based): chr18:70,017,430, T deleted on the plus strand (A on the coding strand, the reverse complement: RTTN is on the minus strand); the first of 3 consecutive T bases (chr18:70,017,430-70,017,432); deleting any one gives the same sequence. VCF-style (leftmost placement, unchanged base first): chr18-70017429-AT-A. GRCh37 (hg19) VCF-style: chr18-67684665-AT-A.
Other names: c.3662del, p.Asn1221fs (NM_001318520.2); short protein forms N2133fs, N1221fs.
Identifiers: ClinVar variation 1442504 (VCV001442504.6), dbSNP rs2145501058, ClinGen allele CA2573155502.
Genomic context (GRCh38, chr18:70,017,429, plus strand): 5'-AACTACATATATAAATGTATGTGTGTGTGAAAACTTACCATTAGCCAGGATCTTGGGTTT[AT>A]TTGCAGGACTGAAGCAAACATTATGAAAGATAAGAAGAGGCAATAAAGGGCTGCTCTTGT-3'

ClinVar aggregate classification (germline): Pathogenic (1 of 4 stars; one submission).

Submission:

Labcorp Genetics (formerly Invitae), Labcorp
Classification: Pathogenic. Last evaluated: 2024-10-08. Review status: criteria provided, single submitter. Criteria: Invitae Variant Classification Sherloc (09022015). Collection method: clinical testing. Allele origin: germline.
Comment: This sequence change creates a premature translational stop signal (p.Asn2133Ilefs*37) in the RTTN gene. It is expected to result in an absent or disrupted protein product. Loss-of-function variants in RTTN are known to be pathogenic (PMID: 26608784, 26846091). This variant is not present in population databases (gnomAD no frequency). This variant has not been reported in the literature in individuals affected with RTTN-related conditions. ClinVar contains an entry for this variant (Variation ID: 1442504). For these reasons, this variant has been classified as Pathogenic.

Literature cited by the submitters: PubMed 26608784; PubMed 26846091.